The following is an entry in ClinVar:

NC_000012.11:g.(?_8975248)_(9027607_?)dup

Gene: A2ML1 (alpha-2-macroglobulin like 1; plus strand). Cytogenetic location: 12p13.31.
Variant type: Duplication.
Identifiers: ClinVar variation 3244440 (VCV003244440.1).

ClinVar aggregate classification (germline): Uncertain significance (1 of 4 stars; one submission).

Submission:

Labcorp Genetics (formerly Invitae), Labcorp
Classification: Uncertain significance. Last evaluated: 2024-01-08. Review status: criteria provided, single submitter. Criteria: Invitae Variant Classification Sherloc (09022015). Collection method: clinical testing. Allele origin: unknown.
Comment: A copy number gain of the genomic region encompassing the full coding sequence of the A2ML1 gene has been identified. The boundaries of this event are unknown as they extend beyond the assayed region for this gene and therefore may encompass additional genes. As the precise location of this event is unknown, it may be in tandem or it may be located elsewhere in the genome. This variant has not been reported in the literature in individuals affected with A2ML1-related conditions. In summary, the available evidence is currently insufficient to determine the role of this variant in disease. Therefore, it has been classified as a Variant of Uncertain Significance.